The following is an entry in ClinVar:

NM_022552.5(DNMT3A):c.89A>G (p.Glu30Gly)

Gene: DNMT3A (DNA methyltransferase 3 alpha; minus strand). Cytogenetic location: 2p23.3.
Variant type: single nucleotide variant.
Coding change: c.89A>G on transcript NM_022552.5 (MANE Select); coding-DNA position 89, A replaced by G.
Protein change: p.Glu30Gly; replaces glutamic acid 30 with glycine.
Molecular consequence: missense variant. On other transcripts: non-coding transcript variant (1).
Genome position (GRCh38, 1-based): chr2:25,300,227, T>C on the plus strand (A>G on the coding strand, the complement: DNMT3A is on the minus strand). VCF-style: chr2-25300227-T-C. GRCh37 (hg19) VCF-style: chr2-25523096-T-C.
Other names: c.89A>G, p.Glu30Gly (NM_001320892.2, NM_175629.2, NM_175630.1); short protein forms E30G.
Identifiers: ClinVar variation 2868632 (VCV002868632.4), dbSNP rs143730975, ClinGen allele CA346251761.
Genomic context (GRCh38, chr2:25,300,227, plus strand): 5'-CGCCCCACCTTCCGTGCCGTGGTGCTGGGCTCTTGGCGCTCCTCCTTGCCACGCGGCTCC[T>C]CCTGCTCCTCTCCGTCCTGCAGGCACAGACACAGCCTGTGAGGCCAGAGGTGGATCCCAG-3'
Protein context (NP_072046.2, residues 20-40): EEDRKDGEEQ[Glu30Gly]EPRGKEERQE

ClinVar aggregate classification (germline): Uncertain significance. Review status: criteria provided, multiple submitters, no conflicts (2 of 4 stars). 2 submissions from 2 submitters: Uncertain significance (2). Last evaluated 2024-12-24.

Conditions:
Tatton-Brown-Rahman overgrowth syndrome. Also called: Tatton-Brown-Rahman syndrome; Tall stature-intellectual disability-facial dysmorphism syndrome. Identifiers: Orphanet 404443, MedGen C4014545, MONDO:0014382, OMIM 615879.

gnomAD v4.1: 2 of 1,608,400 alleles (0.00012%); no homozygotes.

Submissions (2):

Women's Health and Genetics/Laboratory Corporation of America, LabCorp
Classification: Uncertain significance. Last evaluated: 2024-12-24. Review status: criteria provided, single submitter. Criteria: LabCorp Variant Classification Summary - May 2015. Collection method: clinical testing. Allele origin: germline.
Comment: Variant summary: DNMT3A c.89A>G (p.Glu30Gly) results in a non-conservative amino acid change located in the DNA (cytosine-5-)-methyltransferase, N-terminal domain of the encoded protein sequence. Five of five in-silico tools predict a damaging effect of the variant on protein function. The frequency data for this variant in gnomAD is considered unreliable, as metrics indicate poor data quality at this position. To our knowledge, no occurrence of c.89A>G in individuals affected with Tatton-Brown Overgrowth Syndrome and no experimental evidence demonstrating its impact on protein function have been reported. ClinVar contains an entry for this variant (Variation ID: 2868632). Based on the evidence outlined above, the variant was classified as uncertain significance.

Labcorp Genetics (formerly Invitae), Labcorp
Classification: Uncertain significance for Tatton-Brown-Rahman overgrowth syndrome. Last evaluated: 2023-08-02. Review status: criteria provided, single submitter. Criteria: Invitae Variant Classification Sherloc (09022015). Collection method: clinical testing. Allele origin: germline.
Comment: In summary, the available evidence is currently insufficient to determine the role of this variant in disease. Therefore, it has been classified as a Variant of Uncertain Significance. An algorithm developed to predict the effect of missense changes on protein structure and function (PolyPhen-2) suggests that this variant is likely to be tolerated. This variant has not been reported in the literature in individuals affected with DNMT3A-related conditions. This variant is not present in population databases (gnomAD no frequency). This sequence change replaces glutamic acid, which is acidic and polar, with glycine, which is neutral and non-polar, at codon 30 of the DNMT3A protein (p.Glu30Gly).